The following is an entry in ClinVar:

NM_139058.3(ARX):c.225C>G (p.Phe75Leu)

Gene: ARX (aristaless related homeobox; minus strand). Cytogenetic location: Xp21.3.
Variant type: single nucleotide variant.
Coding change: c.225C>G on transcript NM_139058.3 (MANE Select); coding-DNA position 225, C replaced by G.
Protein change: p.Phe75Leu; replaces phenylalanine 75 with leucine.
Molecular consequence: missense variant.
Genome position (GRCh38, 1-based): chrX:25,013,770, G>C on the plus strand (C>G on the coding strand, the complement: ARX is on the minus strand). VCF-style: chrX-25013770-G-C. GRCh37 (hg19) VCF-style: chrX-25031887-G-C.
Other names: short protein forms F75L.
Identifiers: ClinVar variation 2941087 (VCV002941087.3), dbSNP rs2519107899, ClinGen allele CA412613615.

ClinVar aggregate classification (germline): Uncertain significance (1 of 4 stars; one submission).

Conditions:
Intellectual disability, X-linked, with or without seizures, ARX-related. Also called: MENTAL RETARDATION, X-LINKED 29; MENTAL RETARDATION, X-LINKED 32; MENTAL RETARDATION, X-LINKED 33; MENTAL RETARDATION, X-LINKED 38; MENTAL RETARDATION, X-LINKED 43; MENTAL RETARDATION, X-LINKED 76. Identifiers: Orphanet 777, MedGen C0796244, MONDO:0010317, OMIM 300419.
Developmental and epileptic encephalopathy, 1 (DEE1). Also called: INFANTILE SPASM SYNDROME, X-LINKED 1; X-linked infantile spasms; West's syndrome; Tonic spasms with clustering, arrest of psychomotor development and hypsarrhythmia on EEG; X-Linked Infantile Spasm Syndrome; OHTAHARA SYNDROME, X-LINKED. Identifiers: MedGen C3463992, MONDO:0010632, OMIM 308350. Disease mechanism: loss of function.

Submission:

Labcorp Genetics (formerly Invitae), Labcorp
Classification: Uncertain significance for Developmental and epileptic encephalopathy, 1; Intellectual disability, X-linked, with or without seizures, ARX-related. Last evaluated: 2023-01-19. Review status: criteria provided, single submitter. Criteria: Invitae Variant Classification Sherloc (09022015). Collection method: clinical testing. Allele origin: germline.
Comment: This sequence change replaces phenylalanine, which is neutral and non-polar, with leucine, which is neutral and non-polar, at codon 75 of the ARX protein (p.Phe75Leu). The frequency data for this variant in the population databases is considered unreliable, as metrics indicate insufficient coverage at this position in the gnomAD database. This variant has not been reported in the literature in individuals affected with ARX-related conditions. Advanced modeling of protein sequence and biophysical properties (such as structural, functional, and spatial information, amino acid conservation, physicochemical variation, residue mobility, and thermodynamic stability) performed at Invitae indicates that this missense variant is not expected to disrupt ARX protein function. In summary, the available evidence is currently insufficient to determine the role of this variant in disease. Therefore, it has been classified as a Variant of Uncertain Significance.